The following is an entry in ClinVar:

NM_002691.4(POLD1):c.1626C>T (p.Pro542=)

Gene: POLD1 (DNA polymerase delta 1, catalytic subunit; plus strand). Cytogenetic location: 19q13.33.
Variant type: single nucleotide variant.
Coding change: c.1626C>T on transcript NM_002691.4 (MANE Select); coding-DNA position 1626, C replaced by T.
Protein change: p.Pro542=; no amino-acid change (proline 542 retained).
Molecular consequence: synonymous variant. On other transcripts: non-coding transcript variant (1).
Genome position (GRCh38, 1-based): chr19:50,407,114, C>T. VCF-style: chr19-50407114-C-T. GRCh37 (hg19) VCF-style: chr19-50910371-C-T.
Other names: c.1626C>T, p.Pro542= (NM_001256849.1, NM_001308632.1).
Identifiers: ClinVar variation 239241 (VCV000239241.50), dbSNP rs201208120, ClinGen allele CA9596191.

ClinVar aggregate classification (germline): Benign/Likely benign. Review status: criteria provided, multiple submitters, no conflicts (2 of 4 stars). 11 submissions from 11 submitters: Benign (3); Likely benign (8). Last evaluated 2026-01-24.

Conditions:
Hereditary cancer-predisposing syndrome. Also called: Tumor predisposition; Hereditary Cancer Syndrome; Neoplastic Syndromes, Hereditary; Hereditary neoplastic syndrome. Identifiers: Orphanet 140162, MedGen C0027672, MeSH D009386, MONDO:0015356.
POLD1-related polyposis and colorectal cancer syndrome (CRCS10). Also called: Colorectal cancer 10; COLORECTAL CANCER, SUSCEPTIBILITY TO, ON CHROMOSOME 19q; Colorectal cancer, susceptibility to, 10. Identifiers: Orphanet 220460, MedGen C2675481, MONDO:0012953, OMIM 612591.

Allele frequency attached by ClinVar (database versions not stated): TOPMed 0.00007; gnomAD exomes 0.00008 and 0.00009; gnomAD 0.00009; ExAC 0.00010; ESP Exome Variant Server 0.00015; 1000 Genomes Project 30x 0.00016; 1000 Genomes Project 0.00020.
gnomAD v4.1: 142 of 1,613,570 alleles (0.0088%); highest among the groups gnomAD compares: Non-Finnish European, 0.011%; no homozygotes.

Submissions (11):

Labcorp Genetics (formerly Invitae), Labcorp
Classification: Likely benign for POLD1-related polyposis and colorectal cancer syndrome. Last evaluated: 2026-01-24. Review status: criteria provided, single submitter. Criteria: Invitae Variant Classification Sherloc (09022015). Collection method: clinical testing. Allele origin: germline.

Center for Genomic Medicine, Rigshospitalet, Copenhagen University Hospital
Classification: Likely benign. Last evaluated: 2025-03-04. Review status: criteria provided, single submitter. Criteria: ACMG Guidelines, 2015. Collection method: clinical testing. Allele origin: germline.

Myriad Genetics, Inc.
Classification: Benign for POLD1-related polyposis and colorectal cancer syndrome. Last evaluated: 2025-02-07. Review status: criteria provided, single submitter. Criteria: Myriad Autosomal Dominant, Autosomal Recessive and X-Linked Classification Criteria (2023). Collection method: clinical testing. Allele origin: unknown.
Comment: This variant is considered benign. This variant is a silent/synonymous amino acid change and it is not expected to impact splicing.

CeGaT Center for Human Genetics Tuebingen
Classification: Likely benign. Last evaluated: 2024-08-01. Review status: criteria provided, single submitter. Criteria: CeGaT Center For Human Genetics Tuebingen Variant Classification Criteria Version 2. Collection method: clinical testing. Allele origin: germline. Affected: yes. Observed: 1 variant allele.
Comment: POLD1: BP4, BP7

Women's Health and Genetics/Laboratory Corporation of America, LabCorp
Classification: Benign. Last evaluated: 2024-07-25. Review status: criteria provided, single submitter. Criteria: LabCorp Variant Classification Summary - May 2015. Collection method: clinical testing. Allele origin: germline.

Blueprint Genetics
Classification: Likely benign. Last evaluated: 2024-05-02. Review status: criteria provided, single submitter. Criteria: ACMG Guidelines, 2015. Collection method: clinical testing. Allele origin: germline.

GeneDx
Classification: Likely benign. Last evaluated: 2021-03-17. Review status: criteria provided, single submitter. Criteria: GeneDx Variant Classification Process June 2021. Collection method: clinical testing. Allele origin: germline. Affected: yes.

Sema4
Classification: Likely benign for Hereditary cancer-predisposing syndrome. Last evaluated: 2020-07-28. Review status: criteria provided, single submitter. Criteria: Sema4 Curation Guidelines. Collection method: curation. Allele origin: germline.

Quest Diagnostics Nichols Institute San Juan Capistrano
Classification: Benign. Last evaluated: 2018-12-07. Review status: criteria provided, single submitter. Criteria: Quest Diagnostics criteria. Collection method: clinical testing. Allele origin: germline.

PreventionGenetics, part of Exact Sciences
Classification: Likely benign. Last evaluated: 2017-07-06. Review status: criteria provided, single submitter. Criteria: ACMG Guidelines, 2015. Collection method: clinical testing. Allele origin: germline.

Ambry Genetics
Classification: Likely benign for Hereditary cancer-predisposing syndrome. Last evaluated: 2015-06-23. Review status: criteria provided, single submitter. Criteria: Ambry Variant Classification Scheme 2023. Collection method: clinical testing. Allele origin: germline.